The following is an entry in ClinVar:

ClinVar aggregate classification (germline): Conflicting classifications of pathogenicity. Review status: criteria provided, conflicting classifications (1 of 4 stars). 3 submissions from 3 submitters: Uncertain significance (2); Likely benign (1). Last evaluated 2026-02-01.

Conditions:
Joubert syndrome 17 (JBTS17). Identifiers: Orphanet 475, MedGen C3553264, MONDO:0013824, OMIM 614615.
Orofaciodigital syndrome type 6 (OFD6). Also called: OROFACIODIGITAL SYNDROME VI; OFDS VI; POLYDACTYLY, CLEFT LIP/PALATE OR LINGUAL LUMP, AND PSYCHOMOTOR RETARDATION; VARADI SYNDROME; VARADI-PAPP SYNDROME; Oral-facial-digital syndrome type 6. Identifiers: Orphanet 2754, MedGen C2745997, MONDO:0010176, OMIM 277170.

Allele frequency attached by ClinVar (database versions not stated): gnomAD 0.00009; TOPMed 0.00015; 1000 Genomes Project 0.00040; 1000 Genomes Project 30x 0.00047.
gnomAD v4.1: 43 of 1,551,342 alleles (0.0028%); highest among the groups gnomAD compares: Admixed American, 0.063%; no homozygotes.

Submissions (3):

Labcorp Genetics (formerly Invitae), Labcorp
Classification: Likely benign. Last evaluated: 2026-02-01. Review status: criteria provided, single submitter. Criteria: Invitae Variant Classification Sherloc (09022015). Collection method: clinical testing. Allele origin: germline.

CeGaT Center for Human Genetics Tuebingen
Classification: Uncertain significance. Last evaluated: 2023-11-01. Review status: criteria provided, single submitter. Criteria: CeGaT Center For Human Genetics Tuebingen Variant Classification Criteria Version 2. Collection method: clinical testing. Allele origin: germline. Affected: yes. Observed: 1 variant allele.
Comment: CPLANE1: PM2, BP4

Fulgent Genetics
Classification: Uncertain significance for Orofaciodigital syndrome type 6; Joubert syndrome 17. Last evaluated: 2021-11-03. Review status: criteria provided, single submitter. Criteria: ACMG Guidelines, 2015. Collection method: clinical testing. Allele origin: unknown.

NM_001384732.1(CPLANE1):c.2446C>G (p.Leu816Val)

Gene: CPLANE1 (ciliogenesis and planar polarity effector complex subunit 1; minus strand). Cytogenetic location: 5p13.2.
Variant type: single nucleotide variant.
Coding change: c.2446C>G on transcript NM_001384732.1 (MANE Select); coding-DNA position 2446, C replaced by G.
Protein change: p.Leu816Val; replaces leucine 816 with valine.
Molecular consequence: missense variant.
Genome position (GRCh38, 1-based): chr5:37,224,586, G>C on the plus strand (C>G on the coding strand, the complement: CPLANE1 is on the minus strand). VCF-style: chr5-37224586-G-C. GRCh37 (hg19) VCF-style: chr5-37224688-G-C.
Other names: c.2446C>G, p.Leu816Val (NM_023073.4); short protein forms L816V.
Identifiers: ClinVar variation 970947 (VCV000970947.32), dbSNP rs192335673, ClinGen allele CA3239041.